The following is an entry in ClinVar:

ClinVar aggregate classification (germline): Likely benign. Review status: criteria provided, multiple submitters, no conflicts (2 of 4 stars). 6 submissions from 6 submitters: Likely benign (4). 2 of the submissions do not count toward it. Last evaluated 2026-01-26.

Conditions:
Joubert syndrome. Also called: Familial aplasia of the vermis; JOUBERT-BOLTSHAUSER SYNDROME. Identifiers: Orphanet 475, MedGen C5979921, MONDO:0018772.
Nephronophthisis. Also called: Juvenile Nephronophthisis. Identifiers: Orphanet 655, MedGen C0687120, MONDO:0019005, HP:0000090.
Meckel-Gruber syndrome. Also called: DYSENCEPHALIA SPLANCHNOCYSTICA; GRUBER SYNDROME; Dysencephalia splachnocystica. Identifiers: Orphanet 564, MedGen C0265215, MONDO:0018921.
CEP290-related disorder. Also called: CEP290-related disorders; CEP290-related condition. Identifiers: MedGen CN239314.
Leber congenital amaurosis (LCA). Also called: Leber's amaurosis. Identifiers: Orphanet 65, MedGen C0339527, MeSH D057130, MONDO:0018998.
Senior-Loken syndrome 6 (SLSN6). Identifiers: Orphanet 3156, MedGen C1857779, MONDO:0012433, OMIM 610189.
Joubert syndrome 5 (JBTS5). Identifiers: Orphanet 2318, MedGen C1857780, MONDO:0012432, OMIM 610188.
Bardet-Biedl syndrome 14 (BBS14). Identifiers: Orphanet 110, MedGen C2673874, MONDO:0014442, OMIM 615991.
Leber congenital amaurosis 10 (LCA10). Identifiers: Orphanet 65, MedGen C1857821, MONDO:0012723, OMIM 611755.
Meckel syndrome, type 4 (MKS4). Also called: MECKEL-GRUBER SYNDROME, TYPE 4. Identifiers: Orphanet 564, MedGen C1970161, MONDO:0012626, OMIM 611134.

Allele frequency attached by ClinVar (database versions not stated): gnomAD exomes 0.00004; TOPMed 0.00008; gnomAD 0.00009 and 0.00010; ExAC 0.00014; 1000 Genomes Project 30x 0.00016; ESP Exome Variant Server 0.00018; 1000 Genomes Project 0.00020.
gnomAD v4.1: 61 of 1,418,828 alleles (0.0043%); highest among the groups gnomAD compares: Middle Eastern, 0.037%; no homozygotes.

Submissions (6):

Labcorp Genetics (formerly Invitae), Labcorp
Classification: Likely benign for Joubert syndrome; Meckel-Gruber syndrome; Nephronophthisis. Last evaluated: 2026-01-26. Review status: criteria provided, single submitter. Criteria: Invitae Variant Classification Sherloc (09022015). Collection method: clinical testing. Allele origin: germline.

Blueprint Genetics
Classification: Likely benign. Last evaluated: 2022-03-11. Review status: criteria provided, single submitter. Criteria: ACMG Guidelines, 2015. Collection method: clinical testing. Allele origin: germline.

Fulgent Genetics
Classification: Likely benign for Joubert syndrome 5; Senior-Loken syndrome 6; Meckel syndrome, type 4; Leber congenital amaurosis 10; Bardet-Biedl syndrome 14. Last evaluated: 2022-02-03. Review status: criteria provided, single submitter. Criteria: ACMG Guidelines, 2015. Collection method: clinical testing. Allele origin: unknown.

Breakthrough Genomics
Classification: Likely benign. Review status: criteria provided, single submitter. Criteria: ACMG Guidelines, 2015. Collection method: not provided. Allele origin: germline. Inheritance: Autosomal recessive inheritance. Affected: yes.

PreventionGenetics, part of Exact Sciences
Classification: Likely benign for CEP290-related condition. Last evaluated: 2020-10-14. Review status: no assertion criteria provided. Collection method: clinical testing. Allele origin: germline. Not counted in ClinVar's aggregate classification.
Comment: This variant is classified as likely benign based on ACMG/AMP sequence variant interpretation guidelines (Richards et al. 2015 PMID: 25741868, with internal and published modifications).

Natera, Inc.
Classification: Uncertain significance for Leber congenital amaurosis. Last evaluated: 2020-04-17. Review status: no assertion criteria provided. Collection method: clinical testing. Allele origin: germline. Not counted in ClinVar's aggregate classification.

NM_025114.4(CEP290):c.5012+10C>T

Gene: CEP290 (centrosomal protein 290; minus strand). Cytogenetic location: 12q21.32.
Variant type: single nucleotide variant.
Coding change: c.5012+10C>T on transcript NM_025114.4 (MANE Select); 10 bases into the intron after coding-DNA position 5012, C replaced by T.
Molecular consequence: intron variant.
Genome position (GRCh38, 1-based): chr12:88,083,021, G>A on the plus strand (C>T on the coding strand, the complement: CEP290 is on the minus strand). VCF-style: chr12-88083021-G-A. GRCh37 (hg19) VCF-style: chr12-88476798-G-A.
Identifiers: ClinVar variation 695953 (VCV000695953.16), dbSNP rs191369238, ClinGen allele CA6711820.